The following is an entry in ClinVar:

ClinVar aggregate classification (germline): Uncertain significance. Review status: criteria provided, multiple submitters, no conflicts (2 of 4 stars). 3 submissions from 3 submitters: Uncertain significance (2). 1 of the submissions does not count toward it. Last evaluated 2024-12-10.

Conditions:
Nemaline myopathy 2 (NEM2). Also called: Nemaline myopathy 2, autosomal recessive. Identifiers: MedGen C1850569, MONDO:0009725, OMIM 256030.
Inborn genetic diseases. Identifiers: MedGen C0950123, MeSH D030342.

Allele frequency attached by ClinVar (database versions not stated): ExAC 0.00001; gnomAD exomes 0.00001.
gnomAD v4.1: 9 of 1,605,956 alleles (0.00056%); highest among the groups gnomAD compares: Non-Finnish European, 0.00077%; no homozygotes.

Submissions (3):

Ambry Genetics
Classification: Uncertain significance for Inborn genetic diseases. Last evaluated: 2024-12-10. Review status: criteria provided, single submitter. Criteria: Ambry Variant Classification Scheme 2023. Collection method: clinical testing. Allele origin: germline.

Labcorp Genetics (formerly Invitae), Labcorp
Classification: Uncertain significance for Nemaline myopathy 2. Last evaluated: 2021-08-30. Review status: criteria provided, single submitter. Criteria: Invitae Variant Classification Sherloc (09022015). Collection method: clinical testing. Allele origin: germline.
Comment: This sequence change replaces lysine with glutamic acid at codon 6791 of the NEB protein (p.Lys6791Glu). The lysine residue is moderately conserved and there is a small physicochemical difference between lysine and glutamic acid. This variant is present in population databases (rs758370711, ExAC 0.002%). This variant has not been reported in the literature in individuals affected with NEB-related conditions. Algorithms developed to predict the effect of missense changes on protein structure and function are either unavailable or do not agree on the potential impact of this missense change (SIFT: "Deleterious"; PolyPhen-2: "Not Available"; Align-GVGD: "Class C0"). In summary, the available evidence is currently insufficient to determine the role of this variant in disease. Therefore, it has been classified as a Variant of Uncertain Significance.

Natera, Inc.
Classification: Uncertain significance for Nemaline myopathy type 2. Last evaluated: 2019-11-11. Review status: no assertion criteria provided. Collection method: clinical testing. Allele origin: germline. Not counted in ClinVar's aggregate classification.

NM_001164508.2(NEB):c.20371A>G (p.Lys6791Glu)

Gene: NEB (nebulin; minus strand). Cytogenetic location: 2q23.3.
Variant type: single nucleotide variant.
Coding change: c.20371A>G on transcript NM_001164508.2 (MANE Select); coding-DNA position 20371, A replaced by G.
Protein change: p.Lys6791Glu; replaces lysine 6791 with glutamic acid.
Molecular consequence: missense variant.
Genome position (GRCh38, 1-based): chr2:151,546,440, T>C on the plus strand (A>G on the coding strand, the complement: NEB is on the minus strand). VCF-style: chr2-151546440-T-C. GRCh37 (hg19) VCF-style: chr2-152402954-T-C.
Other names: c.20371A>G, p.Lys6791Glu (NM_001164507.2, NM_001271208.2); c.15268A>G, p.Lys5090Glu (NM_004543.5); c.15268A>G (NM_004543.4); short protein forms K6791E, K5090E.
Identifiers: ClinVar variation 571257 (VCV000571257.11), dbSNP rs758370711, ClinGen allele CA1907315.